The following is an entry in ClinVar:

NM_182914.3(SYNE2):c.10669A>T (p.Ile3557Phe)

Gene: SYNE2 (spectrin repeat containing nuclear envelope protein 2; plus strand). Cytogenetic location: 14q23.2.
Variant type: single nucleotide variant.
Coding change: c.10669A>T on transcript NM_182914.3 (MANE Select); coding-DNA position 10669, A replaced by T.
Protein change: p.Ile3557Phe; replaces isoleucine 3557 with phenylalanine.
Molecular consequence: missense variant.
Genome position (GRCh38, 1-based): chr14:64,070,882, A>T. VCF-style: chr14-64070882-A-T. GRCh37 (hg19) VCF-style: chr14-64537600-A-T.
Other names: c.10669A>T, p.Ile3557Phe (NM_015180.6); short protein forms I3557F.
Identifiers: ClinVar variation 860210 (VCV000860210.9), dbSNP rs2097400485, ClinGen allele CA389936943.
Genomic context (GRCh38, chr14:64,070,882, plus strand): 5'-AGTATCCAGAATGTTCCTGAAAGCTCAGGGGCTGTGGAAACTGTTCCAGCATTTCAAGAA[A>T]TTACTTCTATGAAAGAACGATGCAACAAGTAAGATTTATGAAAAACTATTAAGGACGTGT-3'
Protein context (NP_878918.2, residues 3547-3567): AVETVPAFQE[Ile3557Phe]TSMKERCNKL

ClinVar aggregate classification (germline): Uncertain significance (1 of 4 stars; one submission).

Conditions:
Emery-Dreifuss muscular dystrophy 5, autosomal dominant (EDMD5). Also called: EMERY-DREIFUSS MUSCULAR DYSTROPHY 5. Identifiers: Orphanet 261, MedGen C2751805, MONDO:0013072, OMIM 612999.

Submission:

Labcorp Genetics (formerly Invitae), Labcorp
Classification: Uncertain significance for Emery-Dreifuss muscular dystrophy 5, autosomal dominant. Last evaluated: 2020-03-19. Review status: criteria provided, single submitter. Criteria: Invitae Variant Classification Sherloc (09022015). Collection method: clinical testing. Allele origin: germline.
Comment: In summary, the available evidence is currently insufficient to determine the role of this variant in disease. Therefore, it has been classified as a Variant of Uncertain Significance. Algorithms developed to predict the effect of missense changes on protein structure and function are either unavailable or do not agree on the potential impact of this missense change (SIFT: "Deleterious"; PolyPhen-2: "Possibly Damaging"; Align-GVGD: "Class C0"). This variant has not been reported in the literature in individuals with SYNE2-related conditions. This variant is not present in population databases (ExAC no frequency). This sequence change replaces isoleucine with phenylalanine at codon 3557 of the SYNE2 protein (p.Ile3557Phe). The isoleucine residue is weakly conserved and there is a small physicochemical difference between isoleucine and phenylalanine.